The following is an entry in ClinVar:

NM_080669.6(SLC46A1):c.*3266G>A

Genes: SLC46A1 (solute carrier family 46 member 1; minus strand), SARM1 (sterile alpha and TIR motif containing 1; plus strand). Cytogenetic location: 17q11.2.
Variant type: single nucleotide variant.
Coding change: c.*3266G>A on transcript NM_080669.6 (MANE Select); 3266 bases downstream of the stop codon, G replaced by A.
Molecular consequence: 3 prime UTR variant.
Genome position (GRCh38, 1-based): chr17:28,396,390, C>T on the plus strand (G>A on the coding strand, the complement: SLC46A1 is on the minus strand). VCF-style: chr17-28396390-C-T. GRCh37 (hg19) VCF-style: chr17-26723409-C-T.
Other names: c.*3266G>A (NM_001242366.3); c.*104C>T (NM_015077.4).
Identifiers: ClinVar variation 322358 (VCV000322358.6), dbSNP rs73273104, ClinGen allele CA10649768.
Genomic context (GRCh38, chr17:28,396,390, plus strand): 5'-CGTCCTTTCTGAAGGAACAGCTCCTGAAACCAGTCTCCCTGGGCTGAGACAACCTGGGCT[C>T]TTCTTAGGAAATGGCTCTCCCTCCCCCTGTCCCCCACCCTCATGGCCCACCTCCAACCCA-3'

ClinVar aggregate classification (germline): Benign. Review status: criteria provided, multiple submitters, no conflicts (2 of 4 stars). 2 submissions from 2 submitters: Benign (2). Last evaluated 2018-01-13.

Conditions:
Congenital defect of folate absorption. Also called: Hereditary Folate Malabsorption. Identifiers: Orphanet 90045, MedGen C0342705, MONDO:0009238, OMIM 229050.

Allele frequency attached by ClinVar (database versions not stated): gnomAD exomes 0.00312; gnomAD 0.03300 and 0.03547; TOPMed 0.03712; 1000 Genomes Project 0.03934; 1000 Genomes Project 30x 0.04154.
gnomAD v4.1: 9,103 of 1,414,220 alleles (0.64%); highest among the groups gnomAD compares: African/African-American, 11%; 493 homozygotes.

Submissions (2):

Illumina Laboratory Services, Illumina
Classification: Benign for Congenital defect of folate absorption. Last evaluated: 2018-01-13. Review status: criteria provided, single submitter. Criteria: ICSL Variant Classification Criteria 13 December 2019. Collection method: clinical testing. Allele origin: germline.
Comment: This variant was observed in the ICSL laboratory as part of a predisposition screen in an ostensibly healthy population. It had not been previously curated by ICSL or reported in the Human Gene Mutation Database (HGMD: prior to June 1st, 2018), and was therefore a candidate for classification through an automated scoring system. Utilizing variant allele frequency, disease prevalence and penetrance estimates, and inheritance mode, an automated score was calculated to assess if this variant is too frequent to cause the disease. Based on the score and internal cut-off values, a variant classified as benign is not then subjected to further curation. The score for this variant resulted in a classification of benign for this disease.

Breakthrough Genomics
Classification: Benign. Review status: criteria provided, single submitter. Criteria: ACMG Guidelines, 2015. Collection method: not provided. Allele origin: germline. Inheritance: Autosomal recessive inheritance. Affected: yes.